The following is an entry in ClinVar:

ClinVar aggregate classification (germline): Pathogenic (1 of 4 stars; one submission).

Conditions:
Developmental and epileptic encephalopathy, 2 (DEE2). Also called: INFANTILE SPASM SYNDROME, X-LINKED 2; CDKL5 deficiency disorder. Identifiers: Orphanet 1934, Orphanet 3451, Orphanet 505652, MedGen C4750718, MONDO:0010396, OMIM 300672.
Angelman syndrome-like. Identifiers: MedGen CN128785.

Submission:

Labcorp Genetics (formerly Invitae), Labcorp
Classification: Pathogenic for Developmental and epileptic encephalopathy, 2; Angelman syndrome-like. Last evaluated: 2017-10-10. Review status: criteria provided, single submitter. Criteria: Invitae Variant Classification Sherloc (09022015). Collection method: clinical testing. Allele origin: germline.
Comment: This variant is an out-of-frame deletion of the genomic region encompassing exons 4-7 of the CDKL5 gene. This is expected to create a premature translational stop signal and result in an absent or disrupted protein product. Deletion of exons4-7 has not been reported in the literature in individuals with CDKL5-related disease. Loss-of-function variants in CDKL5 are known to be pathogenic (PMID: 22872100). For these reasons, this variant has been classified as Pathogenic.

Literature cited by the submitters: PubMed 22872100.

NC_000023.11:g.(?_18564457)_(18581970_?)del

Gene: CDKL5 (cyclin dependent kinase like 5; plus strand). Cytogenetic location: Xp22.13.
Variant type: Deletion.
Identifiers: ClinVar variation 533400 (VCV000533400.2).